The following is an entry in ClinVar:

NM_001042492.3(NF1):c.1545G>T (p.Gly515=)

Gene: NF1 (neurofibromin 1; plus strand). Cytogenetic location: 17q11.2.
Variant type: single nucleotide variant.
Coding change: c.1545G>T on transcript NM_001042492.3 (MANE Select); coding-DNA position 1545, G replaced by T.
Protein change: p.Gly515=; no amino-acid change (glycine 515 retained).
Molecular consequence: synonymous variant.
Genome position (GRCh38, 1-based): chr17:31,219,022, G>T. VCF-style: chr17-31219022-G-T. GRCh37 (hg19) VCF-style: chr17-29546040-G-T.
Other names: c.1545G>T, p.Gly515= (NM_000267.4, NM_001128147.3).
Identifiers: ClinVar variation 527622 (VCV000527622.11), dbSNP rs876658203, ClinGen allele CA499226622.

ClinVar aggregate classification (germline): Likely benign. Review status: criteria provided, multiple submitters, no conflicts (2 of 4 stars). 4 submissions from 4 submitters: Likely benign (4). Last evaluated 2023-12-30.

Conditions:
Cardiovascular phenotype. Identifiers: MedGen CN230736.
Hereditary cancer-predisposing syndrome. Also called: Neoplastic Syndromes, Hereditary; Tumor predisposition; Hereditary neoplastic syndrome; Hereditary Cancer Syndrome. Identifiers: Orphanet 140162, MedGen C0027672, MeSH D009386, MONDO:0015356.
Neurofibromatosis, type 1 (NF1). Also called: VON RECKLINGHAUSEN DISEASE; NEUROFIBROMATOSIS, TYPE I, SOMATIC; Peripheral type neurofibromatosis; Neurofibromatosis, type I. Identifiers: Orphanet 636, MedGen C0027831, MONDO:0018975, OMIM 162200. Disease mechanism: loss of function.

Allele frequency attached by ClinVar (database versions not stated): TOPMed below 0.00001.
gnomAD v4.1: 1 of 1,613,052 alleles (0.000062%); highest among the groups gnomAD compares: Non-Finnish European, 0.000085%; no homozygotes.

Submissions (4):

Labcorp Genetics (formerly Invitae), Labcorp
Classification: Likely benign for Neurofibromatosis, type 1. Last evaluated: 2023-12-30. Review status: criteria provided, single submitter. Criteria: Invitae Variant Classification Sherloc (09022015). Collection method: clinical testing. Allele origin: germline.

Genome-Nilou Lab
Classification: Likely benign for Neurofibromatosis, type 1. Last evaluated: 2022-03-15. Review status: criteria provided, single submitter. Criteria: ACMG Guidelines, 2015. Collection method: clinical testing. Allele origin: germline. Affected: no.

Ambry Genetics
Classification: Likely benign for Cardiovascular phenotype; Hereditary cancer-predisposing syndrome. Last evaluated: 2019-02-27. Review status: criteria provided, single submitter. Criteria: Ambry General Variant Classification Scheme_2022. Collection method: clinical testing. Allele origin: germline. Observed: 1 variant allele.

GeneDx
Classification: Likely benign. Last evaluated: 2018-05-09. Review status: criteria provided, single submitter. Criteria: GeneDx Variant Classification (06012015). Collection method: clinical testing. Allele origin: germline. Affected: yes.
Comment: This variant is considered likely benign or benign based on one or more of the following criteria: it is a conservative change, it occurs at a poorly conserved position in the protein, it is predicted to be benign by multiple in silico algorithms, and/or has population frequency not consistent with disease.